The following is an entry in ClinVar:

ClinVar aggregate classification (germline): Uncertain significance (1 of 4 stars; one submission).

Submission:

GeneDx
Classification: Uncertain significance. Last evaluated: 2022-04-04. Review status: criteria provided, single submitter. Criteria: GeneDx Variant Classification Process June 2021. Collection method: clinical testing. Allele origin: germline. Affected: yes.
Comment: Not observed in large population cohorts (gnomAD); Normal stop codon changed to a Glu codon, leading to the addition of 91 amino acids at the C-terminus.; Has not been previously published as pathogenic or benign to our knowledge; Variants in candidate genes are classified as variants of uncertain significance in accordance with ACMG guidelines (Richards et al., 2015)

NM_177972.3(TUB):c.1519T>G (p.Ter507Glu)

Genes: RIC3 (RIC3 acetylcholine receptor chaperone; minus strand), TUB (TUB bipartite transcription factor; plus strand). Cytogenetic location: 11p15.4.
Variant type: single nucleotide variant.
Coding change: c.1519T>G on transcript NM_177972.3 (MANE Select); coding-DNA position 1519, T replaced by G.
Protein change: p.Ter507Glu.
Molecular consequence: stop lost.
Genome position (GRCh38, 1-based): chr11:8,101,617, T>G. VCF-style: chr11-8101617-T-G. GRCh37 (hg19) VCF-style: chr11-8123164-T-G.
Other names: c.1684T>G, p.Ter562Glu (NM_003320.5).
Identifiers: ClinVar variation 2662714 (VCV002662714.1), dbSNP rs2539304975, ClinGen allele CA379572755.
Genomic context (GRCh38, chr11:8,101,617, plus strand): 5'-TGTGCACTGCAGGCCTTTGCCATTGCCCTGTCCAGCTTCGACAGCAAGCTGGCGTGCGAG[T>G]AGAGGCCTCTTCGTGCCCTTTGGGGTTGCCCAGCCTGGAGCGGAGCTTGCCTGCCTGCCT-3'